The following is an entry in ClinVar:

ClinVar aggregate classification (germline): Uncertain significance (1 of 4 stars; one submission).

Conditions:
Brugada syndrome 5 (BRGDA5). Identifiers: Orphanet 130, Orphanet 871, MedGen C2748541, MONDO:0013015, OMIM 612838.

Submission:

Labcorp Genetics (formerly Invitae), Labcorp
Classification: Uncertain significance for Brugada syndrome 5. Last evaluated: 2023-05-08. Review status: criteria provided, single submitter. Criteria: Invitae Variant Classification Sherloc (09022015). Collection method: clinical testing. Allele origin: germline.
Comment: Experimental studies and prediction algorithms are not available or were not evaluated, and the functional significance of this variant is currently unknown. In summary, the available evidence is currently insufficient to determine the role of this variant in disease. Therefore, it has been classified as a Variant of Uncertain Significance. This variant has not been reported in the literature in individuals affected with SCN1B-related conditions. This sequence change results in a frameshift in the SCN1B gene (p.Glu195Glyfs*113). While this is not anticipated to result in nonsense mediated decay, it is expected to disrupt the last 74 amino acid(s) of the SCN1B protein and extend the protein by 38 additional amino acid residues. This variant is present in population databases (rs761070541, gnomAD 0.003%).

NM_001037.5(SCN1B):c.448+135dup

Gene: SCN1B (sodium voltage-gated channel beta subunit 1; plus strand). Cytogenetic location: 19q13.11.
Variant type: Duplication.
Coding change: c.448+135dup on transcript NM_001037.5 (MANE Select); 135 bases into the intron after coding-DNA position 448, one base duplicated (G; older notation c.448+135dupG).
Molecular consequence: intron variant. On other transcripts: frameshift variant (1).
Genome position (GRCh38, 1-based): chr19:35,033,874, G duplicated; the last of 5 consecutive G bases (chr19:35,033,870-35,033,874); duplicating any one gives the same sequence. VCF-style (leftmost placement, unchanged base first): chr19-35033869-A-AG. GRCh37 (hg19) VCF-style: chr19-35524773-A-AG.
Other names: c.583dup, p.Glu195fs (NM_199037.5); c.349+135dup (NM_001321605.2); short protein forms E195fs.
Identifiers: ClinVar variation 2739234 (VCV002739234.3), dbSNP rs761070541, ClinGen allele CA9372040.
Genomic context (GRCh38, chr19:35,033,869, plus strand): 5'-CAGTGGACAGGACAGGCTGGCTCTGTGCCTGGCCAGCCAACCGCCCACAGCAGCGGGCTG[A>AG]GGGGGAGGGGAGCAGCCCCTCCTGCCCACTCCAGCTCTGGCCTCTGTTTCTCTCCAGCCC-3'